The following is an entry in ClinVar:

NM_005228.5(EGFR):c.1678C>G (p.Pro560Ala)

Gene: EGFR (epidermal growth factor receptor; plus strand). Cytogenetic location: 7p11.2.
Variant type: single nucleotide variant.
Coding change: c.1678C>G on transcript NM_005228.5 (MANE Select); coding-DNA position 1678, C replaced by G.
Protein change: p.Pro560Ala; replaces proline 560 with alanine.
Molecular consequence: missense variant.
Genome position (GRCh38, 1-based): chr7:55,163,779, C>G. VCF-style: chr7-55163779-C-G. GRCh37 (hg19) VCF-style: chr7-55231472-C-G.
Other names: c.1543C>G, p.Pro515Ala (NM_001346897.2, NM_001346899.2); c.1678C>G, p.Pro560Ala (NM_001346898.2, NM_201282.2, NM_201284.2); c.1519C>G, p.Pro507Ala (NM_001346900.2); c.877C>G, p.Pro293Ala (NM_001346941.2); short protein forms P293A, P507A, P515A, P560A.
Identifiers: ClinVar variation 2759363 (VCV002759363.4), dbSNP rs748219780, ClinGen allele CA367580505.
Genomic context (GRCh38, chr7:55,163,779, plus strand): 5'-CTTCCTCCTCTCAGTGAGCCAAGGGAGTTTGTGGAGAACTCTGAGTGCATACAGTGCCAC[C>G]CAGAGTGCCTGCCTCAGGCCATGAACATCACCTGCACAGGACGGGTAAGAGCCCCTTGCT-3'
Protein context (NP_005219.2, residues 550-570): VENSECIQCH[Pro560Ala]ECLPQAMNIT

ClinVar aggregate classification (germline): Conflicting classifications of pathogenicity. Review status: criteria provided, conflicting classifications (1 of 4 stars). 2 submissions from 2 submitters: Uncertain significance (1); Likely benign (1). Last evaluated 2026-02-24.

Conditions:
EGFR-related lung cancer (EGFR). Identifiers: MedGen CN130014.
Hereditary cancer-predisposing syndrome. Also called: Tumor predisposition; Hereditary Cancer Syndrome; Hereditary neoplastic syndrome; Neoplastic Syndromes, Hereditary. Identifiers: Orphanet 140162, MedGen C0027672, MeSH D009386, MONDO:0015356.

Submissions (2):

Ambry Genetics
Classification: Likely benign for Hereditary cancer-predisposing syndrome. Last evaluated: 2026-02-24. Review status: criteria provided, single submitter. Criteria: Ambry Variant Classification Scheme 2023. Collection method: clinical testing. Allele origin: germline.

Labcorp Genetics (formerly Invitae), Labcorp
Classification: Uncertain significance for EGFR-related lung cancer. Last evaluated: 2023-09-11. Review status: criteria provided, single submitter. Criteria: Invitae Variant Classification Sherloc (09022015). Collection method: clinical testing. Allele origin: germline.
Comment: This sequence change replaces proline, which is neutral and non-polar, with alanine, which is neutral and non-polar, at codon 560 of the EGFR protein (p.Pro560Ala). This variant is not present in population databases (gnomAD no frequency). This variant has not been reported in the literature in individuals affected with EGFR-related conditions. Advanced modeling of protein sequence and biophysical properties (such as structural, functional, and spatial information, amino acid conservation, physicochemical variation, residue mobility, and thermodynamic stability) performed at Invitae indicates that this missense variant is not expected to disrupt EGFR protein function. In summary, the available evidence is currently insufficient to determine the role of this variant in disease. Therefore, it has been classified as a Variant of Uncertain Significance.